The following is an entry in ClinVar:

ClinVar aggregate classification (germline): Uncertain significance. Review status: criteria provided, multiple submitters, no conflicts (2 of 4 stars). 4 submissions from 4 submitters: Uncertain significance (3). 1 of the submissions does not count toward it. Last evaluated 2022-10-27.

Conditions:
Arthrogryposis multiplex congenita (AMC). Also called: Congenital multiple arthrogryposis; Fibrous ankylosis of multiple joints; Congenital arthromyodysplasia; Myodystrophia fetalis deformans; Otto syndrome; Rocher-Sheldon syndrome. Identifiers: Orphanet 1037, MedGen C5779613, MeSH D001176, MONDO:0015168, HP:0002804.
Fetal akinesia deformation sequence 1 (FADS1). Also called: Pena-Shokeir syndrome type I; Fetal akinesia sequence. Identifiers: Orphanet 994, MedGen C1276035, MONDO:0100101, OMIM 208150, HP:0001989.
VPS13D-related disorder. Also called: VPS13D-related condition.

Allele frequency attached by ClinVar (database versions not stated): 1000 Genomes Project 0.00040; ExAC 0.00044; 1000 Genomes Project 30x 0.00047; gnomAD exomes 0.00053 and 0.00036; ESP Exome Variant Server 0.00023; gnomAD 0.00030 and 0.00031; TOPMed 0.00033.
gnomAD v4.1: 585 of 1,613,738 alleles (0.036%); highest among the groups gnomAD compares: South Asian, 0.15%; 1 homozygote.

Submissions (4):

Labcorp Genetics (formerly Invitae), Labcorp
Classification: Uncertain significance. Last evaluated: 2022-10-27. Review status: criteria provided, single submitter. Criteria: Invitae Variant Classification Sherloc (09022015). Collection method: clinical testing. Allele origin: germline.
Comment: This sequence change replaces glycine, which is neutral and non-polar, with aspartic acid, which is acidic and polar, at codon 173 of the VPS13D protein (p.Gly173Asp). This variant is present in population databases (rs185443968, gnomAD 0.2%), and has an allele count higher than expected for a pathogenic variant. This missense change has been observed in individual(s) with multiple joint contractures (PMID: 31680123). ClinVar contains an entry for this variant (Variation ID: 692323). Advanced modeling of protein sequence and biophysical properties (such as structural, functional, and spatial information, amino acid conservation, physicochemical variation, residue mobility, and thermodynamic stability) performed at Invitae indicates that this missense variant is expected to disrupt VPS13D protein function. In summary, the available evidence is currently insufficient to determine the role of this variant in disease. Therefore, it has been classified as a Variant of Uncertain Significance.

Cirak Lab, University Hospital Cologne
Classification: Uncertain significance for Arthrogryposis multiplex congenita; Fetal akinesia sequence. Last evaluated: 2019-06-28. Review status: criteria provided, single submitter. Criteria: ACMG Guidelines, 2015. Collection method: research. Allele origin: paternal. Affected: yes. Observed: 1 variant allele.

Breakthrough Genomics
Classification: Uncertain significance. Review status: criteria provided, single submitter. Criteria: ACMG Guidelines, 2015. Collection method: not provided. Allele origin: germline. Inheritance: Autosomal recessive inheritance. Affected: yes.

PreventionGenetics, part of Exact Sciences
Classification: Likely benign for VPS13D-related condition. Last evaluated: 2024-08-13. Review status: no assertion criteria provided. Collection method: clinical testing. Allele origin: germline. Not counted in ClinVar's aggregate classification.
Comment: This variant is classified as likely benign based on ACMG/AMP sequence variant interpretation guidelines (Richards et al. 2015 PMID: 25741868, with internal and published modifications).

Literature cited by the submitters: PubMed 31680123 (cited by Labcorp Genetics (formerly Invitae), Labcorp and Cirak Lab, University Hospital Cologne).

NM_015378.4(VPS13D):c.518G>A (p.Gly173Asp)

Gene: VPS13D (vacuolar protein sorting 13 homolog D; plus strand). Cytogenetic location: 1p36.22.
Variant type: single nucleotide variant.
Coding change: c.518G>A on transcript NM_015378.4 (MANE Select); coding-DNA position 518, G replaced by A.
Protein change: p.Gly173Asp; replaces glycine 173 with aspartic acid.
Molecular consequence: missense variant.
Genome position (GRCh38, 1-based): chr1:12,249,293, G>A. VCF-style: chr1-12249293-G-A. GRCh37 (hg19) VCF-style: chr1-12309350-G-A.
Other names: c.518G>A, p.Gly173Asp (NM_018156.4); c.518G>A (NM_015378.3); short protein forms G173D.
Identifiers: ClinVar variation 692323 (VCV000692323.7), dbSNP rs185443968, ClinGen allele CA601238.